The following is an entry in ClinVar:

NM_178452.6(DNAAF1):c.1240G>C (p.Gly414Arg)

Gene: DNAAF1 (dynein axonemal assembly factor 1; plus strand). Cytogenetic location: 16q24.1.
Variant type: single nucleotide variant.
Coding change: c.1240G>C on transcript NM_178452.6 (MANE Select); coding-DNA position 1240, G replaced by C.
Protein change: p.Gly414Arg; replaces glycine 414 with arginine.
Molecular consequence: missense variant.
Genome position (GRCh38, 1-based): chr16:84,170,068, G>C. VCF-style: chr16-84170068-G-C. GRCh37 (hg19) VCF-style: chr16-84203674-G-C.
Other names: c.532G>C, p.Gly178Arg (NM_001318756.1); short protein forms G414R, G178R.
Identifiers: ClinVar variation 454997 (VCV000454997.9), dbSNP rs766064232, ClinGen allele CA396947986.

ClinVar aggregate classification (germline): Uncertain significance (1 of 4 stars; one submission).

Conditions:
Primary ciliary dyskinesia. Also called: Ciliary dyskinesia. Identifiers: Orphanet 244, MedGen C0008780, MONDO:0016575, HP:0012265.

Submission:

Labcorp Genetics (formerly Invitae), Labcorp
Classification: Uncertain significance for Primary ciliary dyskinesia. Last evaluated: 2017-06-21. Review status: criteria provided, single submitter. Criteria: Invitae Variant Classification Sherloc (09022015). Collection method: clinical testing. Allele origin: germline.
Comment: This sequence change replaces glycine with arginine at codon 414 of the DNAAF1 protein (p.Gly414Arg). The glycine residue is weakly conserved and there is a moderate physicochemical difference between glycine and arginine. This variant is not present in population databases (ExAC no frequency). This variant has not been reported in the literature in individuals with a DNAAF1-related disease. Algorithms developed to predict the effect of missense changes on protein structure and function do not agree on the potential impact of this missense change (SIFT: "Tolerated"; PolyPhen-2: "Probably Damaging"; Align-GVGD: "Class C0"). In summary, this variant has uncertain impact on DNAAF1 function. The available evidence is currently insufficient to determine its role in disease. Therefore, it has been classified as a Variant of Uncertain Significance.